The following is an entry in ClinVar:

NM_001347721.2(DYRK1A):c.1373G>A (p.Arg458Gln)

Gene: DYRK1A (dual specificity tyrosine phosphorylation regulated kinase 1A; plus strand). Cytogenetic location: 21q22.13.
Variant type: single nucleotide variant.
Coding change: c.1373G>A on transcript NM_001347721.2 (MANE Select); coding-DNA position 1373, G replaced by A.
Protein change: p.Arg458Gln; replaces arginine 458 with glutamine.
Molecular consequence: missense variant.
Genome position (GRCh38, 1-based): chr21:37,505,443, G>A. VCF-style: chr21-37505443-G-A. GRCh37 (hg19) VCF-style: chr21-38877746-G-A.
Other names: c.1400G>A, p.Arg467Gln (NM_130438.2, NM_001396.5, NM_101395.2); c.1373G>A, p.Arg458Gln (NM_001347722.2, NM_130436.2); c.1286G>A, p.Arg429Gln (NM_001347723.2); short protein forms R467Q, R458Q, R429Q.
Identifiers: ClinVar variation 209150 (VCV000209150.9), dbSNP rs797045041, ClinGen allele CA278538.

ClinVar aggregate classification (germline): Pathogenic/Likely pathogenic. Review status: criteria provided, multiple submitters, no conflicts (2 of 4 stars). 5 submissions from 5 submitters: Pathogenic (2); Likely pathogenic (3). Last evaluated 2022-08-08.

Conditions:
DYRK1A-related disorder.
Complex neurodevelopmental disorder. Identifiers: Orphanet 528084, MedGen C5568766, MONDO:0100038.
DYRK1A-related intellectual disability syndrome (MRD7). Also called: DYRK1A Syndrome; Intellectual developmental disorder, autosomal dominant 7. Identifiers: Orphanet 464306, MedGen C5568143, MONDO:0013578, OMIM 614104.
Intellectual disability. Also called: Intellectual functioning disability; Intellectual developmental disorder; intellectual disabilities. Identifiers: MedGen C3714756, MeSH D008607, MONDO:0001071, HP:0001249.

Submissions (5):

GeneDx
Classification: Pathogenic. Last evaluated: 2022-08-08. Review status: criteria provided, single submitter. Criteria: GeneDx Variant Classification Process June 2021. Collection method: clinical testing. Allele origin: germline. Affected: yes.
Comment: Published functional studies demonstrate a damaging effect: reduced protein stability and abrogated tyrosine autophosphorylation (Widowati et al., 2018; Courraud et al., 2021); Not observed at significant frequency in large population cohorts (gnomAD); In silico analysis supports that this missense variant has a deleterious effect on protein structure/function; This variant is associated with the following publications: (PMID: 31526516, 31785789, 31263215, 30952489, 30831192, 29700199, 26633545, 25641759, 28053047, 34345024)

MGZ Medical Genetics Center
Classification: Likely pathogenic for DYRK1A-related intellectual disability syndrome. Last evaluated: 2022-06-01. Review status: criteria provided, single submitter. Criteria: ACMG Guidelines, 2015. Collection method: clinical testing. Allele origin: germline. Affected: yes. Observed: 1 variant allele.
Comment: ACMG criteria applied: PS4, PM6, PM2_SUP, PP3

Diagnostic Laboratory, Strasbourg University Hospital
Classification: Pathogenic for Intellectual disability. Last evaluated: 2020-09-10. Review status: criteria provided, single submitter. Criteria: ACMG Guidelines, 2015. Collection method: clinical testing. Allele origin: de novo. Affected: yes. Observed: 1 heterozygote.

Blueprint Genetics
Classification: Likely pathogenic for DYRK1A-related disorders. Last evaluated: 2019-11-07. Review status: criteria provided, single submitter. Criteria: ACMG Guidelines, 2015. Collection method: clinical testing. Allele origin: germline. Affected: yes. Observed: 1 variant allele.

Baylor Genetics
Classification: Likely pathogenic for Mental retardation, autosomal dominant 7. Last evaluated: 2014-02-03. Review status: criteria provided, single submitter. Criteria: Yang et al. 2013. Collection method: clinical testing. Allele origin: de novo. Inheritance: Autosomal dominant inheritance. Affected: yes. Observed: 1 variant allele, 1 heterozygote. Study: Adult_WES.

Literature cited by the submitters: PubMed 26633545 (cited by Baylor Genetics).